The following is an entry in ClinVar:

NM_006269.2(RP1):c.281G>A (p.Arg94His)

Gene: RP1 (RP1 axonemal microtubule associated; plus strand). Cytogenetic location: 8q12.1.
Variant type: single nucleotide variant.
Coding change: c.281G>A on transcript NM_006269.2 (MANE Select); coding-DNA position 281, G replaced by A.
Protein change: p.Arg94His; replaces arginine 94 with histidine.
Molecular consequence: missense variant.
Genome position (GRCh38, 1-based): chr8:54,621,247, G>A. VCF-style: chr8-54621247-G-A. GRCh37 (hg19) VCF-style: chr8-55533807-G-A.
Other names: short protein forms R94H.
Identifiers: ClinVar variation 426253 (VCV000426253.13), dbSNP rs373078077, ClinGen allele CA4751106.
Genomic context (GRCh38, chr8:54,621,247, plus strand): 5'-TGCCCCTCCCTTTTGGAGTGAGGAACATCAGCACCCCTCGGGGCAGGCACAGCATCACGC[G>A]CCTGGAGGAGCTGGAGGACGGCGAGTCCTACCTATGTTCCCACGGCAGGAAGGTGCAGCC-3'
Protein context (NP_006260.1, residues 84-104): STPRGRHSIT[Arg94His]LEELEDGESY

ClinVar aggregate classification (germline): Uncertain significance. Review status: criteria provided, multiple submitters, no conflicts (2 of 4 stars). 3 submissions from 3 submitters: Uncertain significance (3). Last evaluated 2025-12-30.

Allele frequency attached by ClinVar (database versions not stated): TOPMed 0.00003; gnomAD exomes 0.00004 and 0.00006; ExAC 0.00005; gnomAD 0.00005; ESP Exome Variant Server 0.00008; 1000 Genomes Project 0.00020; 1000 Genomes Project 30x 0.00031.
gnomAD v4.1: 64 of 1,614,110 alleles (0.004%); highest among the groups gnomAD compares: African/African-American, 0.013%; no homozygotes.

Submissions (3):

Labcorp Genetics (formerly Invitae), Labcorp
Classification: Uncertain significance. Last evaluated: 2025-12-30. Review status: criteria provided, single submitter. Criteria: Invitae Variant Classification Sherloc (09022015). Collection method: clinical testing. Allele origin: germline.
Comment: This sequence change replaces arginine, which is basic and polar, with histidine, which is basic and polar, at codon 94 of the RP1 protein (p.Arg94His). This variant is present in population databases (rs373078077, gnomAD 0.02%). This missense change has been observed in individual(s) with retinitis pigmentosa (internal data). ClinVar contains an entry for this variant (Variation ID: 426253). An algorithm developed to predict the effect of missense changes on protein structure and function (PolyPhen-2) suggests that this variant is likely to be disruptive. In summary, the available evidence is currently insufficient to determine the role of this variant in disease. Therefore, it has been classified as a Variant of Uncertain Significance.

Blueprint Genetics
Classification: Uncertain significance. Last evaluated: 2022-10-25. Review status: criteria provided, single submitter. Criteria: ACMG Guidelines, 2015. Collection method: clinical testing. Allele origin: germline.

GeneDx
Classification: Uncertain significance. Last evaluated: 2017-04-24. Review status: criteria provided, single submitter. Criteria: GeneDx Variant Classification (06012015). Collection method: clinical testing. Allele origin: germline. Affected: yes.
Comment: The R94H variant in the RP1 gene has not been reported previously as a pathogenic variant, nor as a benign variant, to our knowledge. The R94H variant is observed in 1/10354 (0.009%) alleles from individuals of African background and in 5/66400 (0.007%) alleles from individuals of European background, in the ExAC dataset (Lek et al., 2016). The R94H variant is a conservative amino acid substitution, which is not likely to impact secondary protein structure as these residues share similar properties. This substitution occurs at a position that is not conserved. In silico analysis is inconsistent in its predictions as to whether or not the variant is damaging to the protein structure/function. We interpret R94H as a variant of uncertain significance.